The following is an entry in ClinVar:

ClinVar aggregate classification (germline): Uncertain significance. Review status: criteria provided, multiple submitters, no conflicts (2 of 4 stars). 2 submissions from 2 submitters: Uncertain significance (2). Last evaluated 2025-12-19.

Allele frequency attached by ClinVar (database versions not stated): gnomAD 0.00005 and 0.00006; ESP Exome Variant Server 0.00008; TOPMed 0.00009; ExAC 0.00012.
gnomAD v4.1: 136 of 1,599,468 alleles (0.0085%); highest among the groups gnomAD compares: East Asian, 0.079%; no homozygotes.

Submissions (2):

Labcorp Genetics (formerly Invitae), Labcorp
Classification: Uncertain significance. Last evaluated: 2025-12-19. Review status: criteria provided, single submitter. Criteria: Invitae Variant Classification Sherloc (09022015). Collection method: clinical testing. Allele origin: germline.
Comment: This sequence change replaces arginine, which is basic and polar, with histidine, which is basic and polar, at codon 189 of the CFAP410 protein (p.Arg189His). This variant is present in population databases (rs369039466, gnomAD 0.02%). This variant has not been reported in the literature in individuals affected with CFAP410-related conditions. ClinVar contains an entry for this variant (Variation ID: 846010). Invitae Evidence Modeling of protein sequence and biophysical properties (such as structural, functional, and spatial information, amino acid conservation, physicochemical variation, residue mobility, and thermodynamic stability) indicates that this missense variant is not expected to disrupt CFAP410 protein function with a negative predictive value of 80%. In summary, the available evidence is currently insufficient to determine the role of this variant in disease. Therefore, it has been classified as a Variant of Uncertain Significance.

Blueprint Genetics
Classification: Uncertain significance. Last evaluated: 2024-01-12. Review status: criteria provided, single submitter. Criteria: ACMG Guidelines, 2015. Collection method: clinical testing. Allele origin: germline.

NM_004928.3(CFAP410):c.566G>A (p.Arg189His)

Gene: CFAP410 (cilia and flagella associated protein 410; minus strand). Cytogenetic location: 21q22.3.
Variant type: single nucleotide variant.
Coding change: c.566G>A on transcript NM_004928.3 (MANE Select); coding-DNA position 566, G replaced by A.
Protein change: p.Arg189His; replaces arginine 189 with histidine.
Molecular consequence: missense variant.
Genome position (GRCh38, 1-based): chr21:44,330,899, C>T on the plus strand (G>A on the coding strand, the complement: CFAP410 is on the minus strand). VCF-style: chr21-44330899-C-T. GRCh37 (hg19) VCF-style: chr21-45750782-C-T.
Other names: c.563G>A, p.Arg188His (NM_001271440.2, NM_001271441.2); c.440G>A, p.Arg147His (NM_001271442.1); short protein forms R188H, R147H, R189H.
Identifiers: ClinVar variation 846010 (VCV000846010.9), dbSNP rs369039466, ClinGen allele CA10053599.